The following is an entry in ClinVar:

ClinVar aggregate classification (germline): Pathogenic (1 of 4 stars; one submission).

Conditions:
Ataxia-telangiectasia syndrome (AT). Also called: Ataxia telangiectasia (A-T); Cerebello-oculocutaneous telangiectasia; Immunodeficiency with ataxia telangiectasia; AT, COMPLEMENTATION GROUP C; ATAXIA-TELANGIECTASIA, COMPLEMENTATION GROUP A; ATAXIA-TELANGIECTASIA, FRESNO VARIANT. Identifiers: Orphanet 100, MedGen C0004135, MONDO:0008840, OMIM 208900.

Submission:

Labcorp Genetics (formerly Invitae), Labcorp
Classification: Pathogenic for Ataxia-telangiectasia syndrome. Last evaluated: 2025-11-26. Review status: criteria provided, single submitter. Criteria: Invitae Variant Classification Sherloc (09022015). Collection method: clinical testing. Allele origin: germline.
Comment: This sequence change creates a premature translational stop signal (p.Phe239Serfs*16) in the ATM gene. It is expected to result in an absent or disrupted protein product. Loss-of-function variants in ATM are known to be pathogenic (PMID: 23807571, 25614872). This variant is not present in population databases (gnomAD no frequency). This premature translational stop signal has been observed in individual(s) with breast cancer and ataxia-telangiectasia (PMID: 12815592, 30303537). This variant is also known as c.715delT. ClinVar contains an entry for this variant (Variation ID: 857304). For these reasons, this variant has been classified as Pathogenic.

Literature cited by the submitters: PubMed 23807571; PubMed 25614872; PubMed 12815592; PubMed 30303537.

NM_000051.4(ATM):c.716del (p.Phe239fs)

Gene: ATM (ATM serine/threonine kinase; plus strand). Cytogenetic location: 11q22.3.
Variant type: Deletion.
Coding change: c.716del on transcript NM_000051.4 (MANE Select); coding-DNA position 716, one base deleted (T; older notation c.716delT).
Protein change: p.Phe239fs; shifts the reading frame from phenylalanine 239.
Molecular consequence: frameshift variant.
Genome position (GRCh38, 1-based): chr11:108,244,841, T deleted; the last of 2 consecutive T bases (chr11:108,244,840-108,244,841); deleting either gives the same sequence. VCF-style (leftmost placement, unchanged base first): chr11-108244839-CT-C. GRCh37 (hg19) VCF-style: chr11-108115566-CT-C.
Other names: c.716del, p.Phe239fs (NM_001351834.2); short protein forms F239fs.
Identifiers: ClinVar variation 857304 (VCV000857304.9), dbSNP rs2079758855, ClinGen allele CA916080477.